The following is an entry in ClinVar:

NM_001918.5(DBT):c.1210-11_1210-10inv

Gene: DBT (dihydrolipoamide branched chain transacylase E2; minus strand). Cytogenetic location: 1p21.2.
Variant type: Inversion.
Coding change: c.1210-11_1210-10inv on transcript NM_001918.5 (MANE Select).
Molecular consequence: intron variant.
Genome position: GRCh38 VCF-style: chr1-100206311-AA-TT. GRCh37 (hg19) VCF-style: chr1-100671867-AA-TT.
Identifiers: ClinVar variation 1218045 (VCV001218045.6), ClinGen allele CA2499214074.
Genomic context (GRCh38, chr1:100,206,311, plus strand): 5'-AATGGCTACTTCAGGTGGCATTATCACTGGTTTGGCAAAGGTACCACCAATCTATTTTTT[AA>TT]AAAAAAAAAAAGGAGAGTATTAAAAGTTAAGATTTTTCAGGGAACAAATGCCAAGTGACT-3'

ClinVar aggregate classification (germline): Conflicting classifications of pathogenicity. Review status: criteria provided, conflicting classifications (1 of 4 stars). 2 submissions from 2 submitters: Uncertain significance (1); Benign (1). Last evaluated 2023-08-19.

Conditions:
Maple syrup urine disease (MSUD). Identifiers: Orphanet 511, MedGen C0024776, MeSH D008375, MONDO:0009563. Disease mechanism: loss of function.

Submissions (2):

Labcorp Genetics (formerly Invitae), Labcorp
Classification: Benign for Maple syrup urine disease. Last evaluated: 2023-08-19. Review status: criteria provided, single submitter. Criteria: Invitae Variant Classification Sherloc (09022015). Collection method: clinical testing. Allele origin: germline.

GeneDx
Classification: Uncertain significance. Last evaluated: 2020-07-02. Review status: criteria provided, single submitter. Criteria: GeneDx Variant Classification Process June 2021. Collection method: clinical testing. Allele origin: germline. Affected: yes.
Comment: Has not been previously published as pathogenic or benign to our knowledge; In-silico analysis, which includes splice predictors and evolutionary conservation, is inconclusive as to whether the variant alters gene splicing. In the absence of RNA/functional studies, the actual effect of this sequence change is unknown.